The following is an entry in ClinVar:

NM_000135.4(FANCA):c.1404G>C (p.Lys468Asn)

Gene: FANCA (FA complementation group A; minus strand). Cytogenetic location: 16q24.3.
Variant type: single nucleotide variant.
Coding change: c.1404G>C on transcript NM_000135.4 (MANE Select); coding-DNA position 1404, G replaced by C.
Protein change: p.Lys468Asn; replaces lysine 468 with asparagine.
Molecular consequence: missense variant.
Genome position (GRCh38, 1-based): chr16:89,784,920, C>G on the plus strand (G>C on the coding strand, the complement: FANCA is on the minus strand). VCF-style: chr16-89784920-C-G. GRCh37 (hg19) VCF-style: chr16-89851328-C-G.
Other names: c.1404G>C, p.Lys468Asn (NM_001286167.3); short protein forms K468N.
Identifiers: ClinVar variation 1018880 (VCV001018880.10), dbSNP rs755713516, ClinGen allele CA8252344.

ClinVar aggregate classification (germline): Uncertain significance. Review status: criteria provided, multiple submitters, no conflicts (2 of 4 stars). 3 submissions from 3 submitters: Uncertain significance (2). 1 of the submissions does not count toward it. Last evaluated 2026-06-30.

Conditions:
Fanconi anemia complementation group A (FANCA). Also called: Fanconi anemia, group A; FANCA-Related Fanconi Anemia. Identifiers: Orphanet 84, MedGen C3469521, MONDO:0009215, OMIM 227650.
Fanconi anemia (FA). Also called: Fanconi's anemia. Identifiers: Orphanet 84, MedGen C0015625, MeSH D005199, MONDO:0019391.

Allele frequency attached by ClinVar (database versions not stated): gnomAD exomes below 0.00001; TOPMed below 0.00001; ExAC 0.00001; gnomAD 0.00001.
gnomAD v4.1: 2 of 1,614,048 alleles (0.00012%); highest among the groups gnomAD compares: Admixed American, 0.0017%; no homozygotes.

Submissions (3):

Myriad Genetics, Inc.
Classification: Uncertain significance for Fanconi anemia complementation group A. Last evaluated: 2026-06-30. Review status: criteria provided, single submitter. Criteria: Myriad Autosomal Dominant, Autosomal Recessive and X-Linked Classification Criteria (2023). Collection method: clinical testing. Allele origin: unknown.
Comment: NM_000135.2(FANCA):c.1404G>C(K468N) is a missense variant classified as a variant of uncertain significance in the context of Fanconi anemia complementation group A. K468N has not been observed in cases with relevant disease. Relevant functional assessments of this variant are not available in the literature. K468N has been observed in referenced population frequency databases. In summary, there is insufficient evidence to classify NM_000135.2(FANCA):c.1404G>C(K468N) as pathogenic or benign. Please note: this variant was assessed in the context of healthy population screening.

Labcorp Genetics (formerly Invitae), Labcorp
Classification: Uncertain significance for Fanconi anemia. Last evaluated: 2020-10-29. Review status: criteria provided, single submitter. Criteria: Invitae Variant Classification Sherloc (09022015). Collection method: clinical testing. Allele origin: germline.
Comment: Algorithms developed to predict the effect of missense changes on protein structure and function are either unavailable or do not agree on the potential impact of this missense change (SIFT: "Deleterious"; PolyPhen-2: "Benign"; Align-GVGD: "Class C0"). In summary, the available evidence is currently insufficient to determine the role of this variant in disease. Therefore, it has been classified as a Variant of Uncertain Significance. This variant has not been reported in the literature in individuals with FANCA-related conditions. This variant is present in population databases (rs755713516, ExAC 0.002%). This sequence change replaces lysine with asparagine at codon 468 of the FANCA protein (p.Lys468Asn). The lysine residue is highly conserved and there is a moderate physicochemical difference between lysine and asparagine.

Natera, Inc.
Classification: Uncertain significance for Fanconi anemia. Last evaluated: 2020-01-24. Review status: no assertion criteria provided. Collection method: clinical testing. Allele origin: germline. Not counted in ClinVar's aggregate classification.